The following is an entry in ClinVar:

NM_015910.7(WDPCP):c.304G>C (p.Asp102His)

Gene: WDPCP (WD repeat containing planar cell polarity effector; minus strand). Cytogenetic location: 2p15.
Variant type: single nucleotide variant.
Coding change: c.304G>C on transcript NM_015910.7 (MANE Select); coding-DNA position 304, G replaced by C.
Protein change: p.Asp102His; replaces aspartic acid 102 with histidine.
Molecular consequence: missense variant. On other transcripts: non-coding transcript variant (2).
Genome position (GRCh38, 1-based): chr2:63,484,937, C>G on the plus strand (G>C on the coding strand, the complement: WDPCP is on the minus strand). VCF-style: chr2-63484937-C-G. GRCh37 (hg19) VCF-style: chr2-63712071-C-G.
Other names: c.232G>C, p.Asp78His (NM_001354044.2); c.304G>C, p.Asp102His (NM_001354045.2); c.304G>C (NM_015910.5); short protein forms D102H, D78H.
Identifiers: ClinVar variation 1060571 (VCV001060571.7), dbSNP rs757449444, ClinGen allele CA1682528.

ClinVar aggregate classification (germline): Conflicting classifications of pathogenicity. Review status: criteria provided, conflicting classifications (1 of 4 stars). 2 submissions from 2 submitters: Uncertain significance (1); Likely benign (1). Last evaluated 2022-11-23.

Conditions:
Bardet-Biedl syndrome (BBS). Identifiers: Orphanet 110, MedGen C0752166, MONDO:0015229.
Inborn genetic diseases. Identifiers: MedGen C0950123, MeSH D030342.

Allele frequency attached by ClinVar (database versions not stated): gnomAD exomes below 0.00001 and 0.00002; gnomAD 0.00001; ExAC 0.00002.
gnomAD v4.1: 7 of 1,612,428 alleles (0.00043%); highest among the groups gnomAD compares: East Asian, 0.016%; no homozygotes.

Submissions (2):

Ambry Genetics
Classification: Likely benign for Inborn genetic diseases. Last evaluated: 2022-11-23. Review status: criteria provided, single submitter. Criteria: Ambry Variant Classification Scheme 2023. Collection method: clinical testing. Allele origin: germline.

Labcorp Genetics (formerly Invitae), Labcorp
Classification: Uncertain significance for Bardet-Biedl syndrome. Last evaluated: 2022-05-04. Review status: criteria provided, single submitter. Criteria: Invitae Variant Classification Sherloc (09022015). Collection method: clinical testing. Allele origin: germline.
Comment: This sequence change replaces aspartic acid, which is acidic and polar, with histidine, which is basic and polar, at codon 102 of the WDPCP protein (p.Asp102His). This variant is present in population databases (rs757449444, gnomAD 0.03%). This variant has not been reported in the literature in individuals affected with WDPCP-related conditions. ClinVar contains an entry for this variant (Variation ID: 1060571). Algorithms developed to predict the effect of missense changes on protein structure and function (SIFT, PolyPhen-2, Align-GVGD) all suggest that this variant is likely to be disruptive. In summary, the available evidence is currently insufficient to determine the role of this variant in disease. Therefore, it has been classified as a Variant of Uncertain Significance.